The following is an entry in ClinVar:

NM_002354.3(EPCAM):c.517C>G (p.Arg173Gly)

Gene: EPCAM (epithelial cell adhesion molecule; plus strand). Cytogenetic location: 2p21.
Variant type: single nucleotide variant.
Coding change: c.517C>G on transcript NM_002354.3 (MANE Select); coding-DNA position 517, C replaced by G.
Protein change: p.Arg173Gly; replaces arginine 173 with glycine.
Molecular consequence: missense variant.
Genome position (GRCh38, 1-based): chr2:47,377,039, C>G. VCF-style: chr2-47377039-C-G. GRCh37 (hg19) VCF-style: chr2-47604178-C-G.
Other names: short protein forms R173G.
Identifiers: ClinVar variation 1745841 (VCV001745841.2), dbSNP rs747286107, ClinGen allele CA346723991.

ClinVar aggregate classification (germline): Uncertain significance (1 of 4 stars; one submission).

Conditions:
Hereditary cancer-predisposing syndrome. Also called: Hereditary Cancer Syndrome; Neoplastic Syndromes, Hereditary; Tumor predisposition; Hereditary neoplastic syndrome. Identifiers: Orphanet 140162, MedGen C0027672, MeSH D009386, MONDO:0015356.

Submission:

Ambry Genetics
Classification: Uncertain significance for Hereditary cancer-predisposing syndrome. Last evaluated: 2022-05-07. Review status: criteria provided, single submitter. Criteria: Ambry Variant Classification Scheme 2023. Collection method: clinical testing. Allele origin: germline.
Comment: The p.R173G variant (also known as c.517C>G), located in coding exon 5 of the EPCAM gene, results from a C to G substitution at nucleotide position 517. The arginine at codon 173 is replaced by glycine, an amino acid with dissimilar properties. This amino acid position is conserved. In addition, this alteration is predicted to be deleterious by in silico analysis. Since supporting evidence is limited at this time, the clinical significance of this alteration remains unclear.